The following is an entry in ClinVar:

NM_001113378.2(FANCI):c.3578A>T (p.Asn1193Ile)

Gene: FANCI (FA complementation group I; plus strand). Cytogenetic location: 15q26.1.
Variant type: single nucleotide variant.
Coding change: c.3578A>T on transcript NM_001113378.2 (MANE Select); coding-DNA position 3578, A replaced by T.
Protein change: p.Asn1193Ile; replaces asparagine 1193 with isoleucine.
Molecular consequence: missense variant.
Genome position (GRCh38, 1-based): chr15:89,307,516, A>T. VCF-style: chr15-89307516-A-T. GRCh37 (hg19) VCF-style: chr15-89850747-A-T.
Other names: c.3299A>T, p.Asn1100Ile (NM_001376910.1); c.3578A>T, p.Asn1193Ile (NM_001376911.1); c.3398A>T, p.Asn1133Ile (NM_018193.3); short protein forms N1133I, N1193I, N1100I.
Identifiers: ClinVar variation 2157615 (VCV002157615.4), dbSNP rs2054769912, ClinGen allele CA393740840.

ClinVar aggregate classification (germline): Uncertain significance (1 of 4 stars; one submission).

Conditions:
Fanconi anemia (FA). Also called: Fanconi's anemia. Identifiers: Orphanet 84, MedGen C0015625, MeSH D005199, MONDO:0019391.

Allele frequency attached by ClinVar (database versions not stated): TOPMed below 0.00001.

Submission:

Labcorp Genetics (formerly Invitae), Labcorp
Classification: Uncertain significance for Fanconi anemia. Last evaluated: 2022-08-16. Review status: criteria provided, single submitter. Criteria: Invitae Variant Classification Sherloc (09022015). Collection method: clinical testing. Allele origin: germline.
Comment: In summary, the available evidence is currently insufficient to determine the role of this variant in disease. Therefore, it has been classified as a Variant of Uncertain Significance. Algorithms developed to predict the effect of missense changes on protein structure and function output the following: SIFT: "Tolerated"; PolyPhen-2: "Benign"; Align-GVGD: "Class C0". The isoleucine amino acid residue is found in multiple mammalian species, which suggests that this missense change does not adversely affect protein function. This variant has not been reported in the literature in individuals affected with FANCI-related conditions. This variant is not present in population databases (gnomAD no frequency). This sequence change replaces asparagine, which is neutral and polar, with isoleucine, which is neutral and non-polar, at codon 1193 of the FANCI protein (p.Asn1193Ile).